The following is an entry in ClinVar:

NM_004606.5(TAF1):c.5188G>C (p.Gly1730Arg)

Gene: TAF1 (TATA-box binding protein associated factor 1; plus strand). Cytogenetic location: Xq13.1.
Variant type: single nucleotide variant.
Coding change: c.5188G>C on transcript NM_004606.5 (MANE Select); coding-DNA position 5188, G replaced by C.
Protein change: p.Gly1730Arg; replaces glycine 1730 with arginine.
Molecular consequence: missense variant. On other transcripts: non-coding transcript variant (9).
Genome position (GRCh38, 1-based): chrX:71,459,675, G>C. VCF-style: chrX-71459675-G-C. GRCh37 (hg19) VCF-style: chrX-70679525-G-C.
Other names: c.5194G>C, p.Gly1732Arg (NM_001286074.2); c.5125G>C, p.Gly1709Arg (NM_138923.4); c.5248G>C (NM_004606.4); short protein forms G1709R, G1730R, G1732R.
Identifiers: ClinVar variation 985840 (VCV000985840.5), dbSNP rs1056349370, ClinGen allele CA331023633.
Genomic context (GRCh38, chrX:71,459,675, plus strand): 5'-GCCAGTGTCCTGTATGAGGATTTGCTTATGTCTGAAGGAGAAGATGATGAGGAAGATGCT[G>C]GGAGTGATGAAGAAGGAGACAATCCTTTCTCTGGTAGGCCTCAACCATTGCTTCTATTCC-3'
Protein context (NP_004597.3, residues 1720-1740): SEGEDDEEDA[Gly1730Arg]SDEEGDNPFS

ClinVar aggregate classification (germline): Uncertain significance. Review status: criteria provided, multiple submitters, no conflicts (2 of 4 stars). 2 submissions from 2 submitters: Uncertain significance (2). Last evaluated 2024-06-14.

Conditions:
Inborn genetic diseases. Identifiers: MedGen C0950123, MeSH D030342.

Allele frequency attached by ClinVar (database versions not stated): gnomAD 0.00001; TOPMed 0.00001; gnomAD exomes 0.00002.
gnomAD v4.1: 27 of 1,209,308 alleles (0.0022%); highest among the groups gnomAD compares: Non-Finnish European, 0.003%; no homozygotes.

Submissions (2):

Revvity Omics, Revvity
Classification: Uncertain significance. Last evaluated: 2024-06-14. Review status: criteria provided, single submitter. Criteria: ACMG Guidelines, 2015. Collection method: clinical testing. Allele origin: germline.

Ambry Genetics
Classification: Uncertain significance for Inborn genetic diseases. Last evaluated: 2020-05-19. Review status: criteria provided, single submitter. Criteria: Ambry Variant Classification Scheme 2023. Collection method: clinical testing. Allele origin: germline.
Comment: The alteration results in an amino acid change:_x000D_ _x000D_ The c.5248G>C (p.G1750R) alteration is located in coding exon 36 of the TAF1 gene. This alteration results from a G to C substitution at nucleotide position 5248, causing the glycine (G) at amino acid position 1750 to be replaced by an arginine (R). The alteration is not observed in population databases: _x000D_ _x000D_ Based on data from the Genome Aggregation Database (gnomAD), the TAF1 c.5248G>C alteration was not observed, with coverage at this position. The altered amino acid is conserved throughout evolution:_x000D_ _x000D_ The p.G1750 amino acid is conserved in available vertebrate species. The alteration is predicted tolerated by in silico modeling:_x000D_ _x000D_ The p.G1750R alteration is predicted to be tolerated by in silico analysis._x000D_ null Based on insufficient or conflicting evidence, the clinical significance of this alteration remains unclear.